The following is an entry in ClinVar:

ClinVar aggregate classification (germline): Uncertain significance (1 of 4 stars; one submission).

Conditions:
Hereditary cancer-predisposing syndrome. Also called: Tumor predisposition; Hereditary Cancer Syndrome; Neoplastic Syndromes, Hereditary; Hereditary neoplastic syndrome. Identifiers: Orphanet 140162, MedGen C0027672, MeSH D009386, MONDO:0015356.

Submission:

Ambry Genetics
Classification: Uncertain significance for Hereditary cancer-predisposing syndrome. Last evaluated: 2019-03-01. Review status: criteria provided, single submitter. Criteria: Ambry Variant Classification Scheme 2023. Collection method: clinical testing. Allele origin: germline.
Comment: The p.N1093D variant (also known as c.3277A>G), located in coding exon 20 of the DICER1 gene, results from an A to G substitution at nucleotide position 3277. The asparagine at codon 1093 is replaced by aspartic acid, an amino acid with highly similar properties. This amino acid position is highly conserved in available vertebrate species. In addition, this alteration is predicted to be tolerated by in silico analysis. Since supporting evidence is limited at this time, the clinical significance of this alteration remains unclear.

NM_177438.3(DICER1):c.3277A>G (p.Asn1093Asp)

Gene: DICER1 (dicer 1, ribonuclease III; minus strand). Cytogenetic location: 14q32.13.
Variant type: single nucleotide variant.
Coding change: c.3277A>G on transcript NM_177438.3 (MANE Select); coding-DNA position 3277, A replaced by G.
Protein change: p.Asn1093Asp; replaces asparagine 1093 with aspartic acid.
Molecular consequence: missense variant.
Genome position (GRCh38, 1-based): chr14:95,104,119, T>C on the plus strand (A>G on the coding strand, the complement: DICER1 is on the minus strand). VCF-style: chr14-95104119-T-C. GRCh37 (hg19) VCF-style: chr14-95570456-T-C.
Other names: c.3277A>G, p.Asn1093Asp (NM_001195573.1, NM_001271282.3, NM_001291628.2 and 1 more transcripts); short protein forms N1093D.
Identifiers: ClinVar variation 823387 (VCV000823387.4), dbSNP rs1595368074, ClinGen allele CA390876109.